The following is an entry in ClinVar:

ClinVar aggregate classification (germline): Conflicting classifications of pathogenicity. Review status: criteria provided, conflicting classifications (1 of 4 stars). 7 submissions from 7 submitters: Uncertain significance (5); Likely benign (2). Last evaluated 2026-10-01.

Conditions:
Von Hippel-Lindau syndrome (VHLS). Also called: VHL syndrome; Von Hippel-Lindau; von Hippel–Lindau syndrome. Identifiers: Orphanet 892, MedGen C0019562, MONDO:0008667, OMIM 193300. Disease mechanism: loss of function.
Chuvash polycythemia. Also called: POLYCYTHEMIA, VHL-DEPENDENT. Identifiers: Orphanet 238557, MedGen C1837915, MONDO:0009892, OMIM 263400.
Hereditary cancer-predisposing syndrome. Also called: Hereditary neoplastic syndrome; Neoplastic Syndromes, Hereditary; Hereditary Cancer Syndrome; Tumor predisposition. Identifiers: Orphanet 140162, MedGen C0027672, MeSH D009386, MONDO:0015356.
Pheochromocytoma. Also called: MAX-Related Hereditary Paraganglioma-Pheochromocytoma Syndrome. Identifiers: Orphanet 29072, MedGen C0031511, MONDO:0008233, OMIM 171300, HP:0002666.
Nonpapillary renal cell carcinoma. Identifiers: Orphanet 422526, MedGen CN074294, MONDO:0007763, OMIM 144700.

Allele frequency attached by ClinVar (database versions not stated): gnomAD 0.00002; TOPMed 0.00006; ESP Exome Variant Server 0.00009.

Submissions (7):

St. Jude Molecular Pathology, St. Jude Children's Research Hospital
Classification: Uncertain significance for Von Hippel-Lindau syndrome. Last evaluated: 2026-10-01. Review status: criteria provided, single submitter. Criteria: St. Jude Assertion Criteria 2020. Collection method: clinical testing. Allele origin: germline.
Comment: The VHL c.323G>A p.(Arg108His) missense change has a maximum subpopulation frequency of 0.02% in gnomAD v2.1.1. The in silico tool REVEL is inconclusive about a pathogeni c or benign effect of this variant on protein function. This variant was reported to be neutral in a functional study (PMID: 38969834). To our knowledge, this variant has not been reported in individuals with Von Hippel-Lindau disease. In summary, the ev idence currently available is insufficient to determine the role of this variant in disease. It has therefore been classified as of uncertain significance.

Labcorp Genetics (formerly Invitae), Labcorp
Classification: Uncertain significance for Von Hippel-Lindau syndrome; Chuvash polycythemia. Last evaluated: 2026-01-27. Review status: criteria provided, single submitter. Criteria: Invitae Variant Classification Sherloc (09022015). Collection method: clinical testing. Allele origin: germline.
Comment: This sequence change replaces arginine, which is basic and polar, with histidine, which is basic and polar, at codon 108 of the VHL protein (p.Arg108His). The frequency data for this variant in the population databases is considered unreliable, as metrics indicate poor data quality at this position in the gnomAD database. This variant has not been reported in the literature in individuals affected with VHL-related conditions. ClinVar contains an entry for this variant (Variation ID: 411972). Invitae Evidence Modeling of protein sequence and biophysical properties (such as structural, functional, and spatial information, amino acid conservation, physicochemical variation, residue mobility, and thermodynamic stability) indicates that this missense variant is expected to disrupt VHL protein function with a positive predictive value of 95%. In summary, the available evidence is currently insufficient to determine the role of this variant in disease. Therefore, it has been classified as a Variant of Uncertain Significance.

GeneDx
Classification: Uncertain significance. Last evaluated: 2024-12-01. Review status: criteria provided, single submitter. Criteria: GeneDx Variant Classification Process June 2021. Collection method: clinical testing. Allele origin: germline.
Comment: Not observed at significant frequency in large population cohorts (gnomAD); In silico analysis indicates that this missense variant does not alter protein structure/function; Has not been previously published as pathogenic or benign to our knowledge

Myriad Genetics, Inc.
Classification: Likely benign for Von Hippel-Lindau syndrome. Last evaluated: 2024-08-15. Review status: criteria provided, single submitter. Criteria: Myriad Autosomal Dominant, Autosomal Recessive and X-Linked Classification Criteria (2023). Collection method: clinical testing. Allele origin: unknown.
Comment: This variant is considered likely benign. This variant has been observed at a population frequency that is significantly greater than expected given the associated disease prevalence and penetrance.

All of Us Research Program, National Institutes of Health
Classification: Uncertain significance for Von Hippel-Lindau syndrome. Last evaluated: 2023-12-13. Review status: criteria provided, single submitter. Criteria: ACMG Guidelines, 2015. Collection method: clinical testing. Allele origin: germline. Inheritance: Autosomal dominant inheritance. Observed: 4 variant alleles, 4 heterozygotes.
Comment: This missense variant replaces arginine with histidine at codon 108 of the VHL protein. Computational prediction is inconclusive regarding the impact of this variant on protein structure and function (internally defined REVEL score threshold 0.5 < inconclusive < 0.7, PMID: 27666373). To our knowledge, functional studies have not been reported for this variant. This variant has not been reported in individuals affected with hereditary cancer in the literature. This variant has been identified in 3/220804 chromosomes in the general population by the Genome Aggregation Database (gnomAD). The available evidence is insufficient to determine the role of this variant in disease conclusively. Therefore, this variant is classified as a Variant of Uncertain Significance.

This study involves interpretation of variants in research participants for the purpose of population health screening. Participant phenotype was not available at the time of variant classification. Additional details can be found in publication PMID: 35346344, PMCID: PMC8962531

Ambry Genetics
Classification: Likely benign for Hereditary cancer-predisposing syndrome. Last evaluated: 2023-09-20. Review status: criteria provided, single submitter. Criteria: Ambry Variant Classification Scheme 2023. Collection method: clinical testing. Allele origin: germline.

Fulgent Genetics
Classification: Uncertain significance for Nonpapillary renal cell carcinoma; Pheochromocytoma; Von Hippel-Lindau syndrome; Chuvash polycythemia. Last evaluated: 2022-03-20. Review status: criteria provided, single submitter. Criteria: ACMG Guidelines, 2015. Collection method: clinical testing. Allele origin: unknown.

NM_000551.4(VHL):c.323G>A (p.Arg108His)

Gene: VHL (von Hippel-Lindau tumor suppressor; plus strand). Cytogenetic location: 3p25.3.
Variant type: single nucleotide variant.
Coding change: c.323G>A on transcript NM_000551.4 (MANE Select); coding-DNA position 323, G replaced by A.
Protein change: p.Arg108His; replaces arginine 108 with histidine.
Molecular consequence: missense variant.
Genome position (GRCh38, 1-based): chr3:10,142,170, G>A. VCF-style: chr3-10142170-G-A. GRCh37 (hg19) VCF-style: chr3-10183854-G-A.
Other names: c.323G>A, p.Arg108His (NM_001354723.2, NM_198156.3); short protein forms R108H.
Identifiers: ClinVar variation 411972 (VCV000411972.22), dbSNP rs367594943, ClinGen allele CA040275.